The following is an entry in ClinVar:

ClinVar aggregate classification (germline): Conflicting classifications of pathogenicity. Review status: criteria provided, conflicting classifications (1 of 4 stars). 2 submissions from 2 submitters: Uncertain significance (1); Likely benign (1). Last evaluated 2025-10-26.

Conditions:
Inborn genetic diseases. Identifiers: MedGen C0950123, MeSH D030342.
Mosaic variegated aneuploidy syndrome 1 (MVA1). Also called: Warburton-Anyane-Yeboa syndrome. Identifiers: Orphanet 1052, MedGen C1850343, MONDO:0009759, OMIM 257300.

Allele frequency attached by ClinVar (database versions not stated): gnomAD 0.00001 and 0.00002; TOPMed 0.00001; gnomAD exomes 0.00007 and 0.00014; ExAC 0.00012.
gnomAD v4.1: 99 of 1,614,182 alleles (0.0061%); highest among the groups gnomAD compares: South Asian, 0.1%; 2 homozygotes.

Submissions (2):

Labcorp Genetics (formerly Invitae), Labcorp
Classification: Likely benign for Mosaic variegated aneuploidy syndrome 1. Last evaluated: 2025-10-26. Review status: criteria provided, single submitter. Criteria: Invitae Variant Classification Sherloc (09022015). Collection method: clinical testing. Allele origin: germline.

Ambry Genetics
Classification: Uncertain significance for Inborn genetic diseases. Last evaluated: 2024-03-24. Review status: criteria provided, single submitter. Criteria: Ambry Variant Classification Scheme 2023. Collection method: clinical testing. Allele origin: germline.
Comment: The p.Q950R variant (also known as c.2849A>G), located in coding exon 21 of the BUB1B gene, results from an A to G substitution at nucleotide position 2849. The glutamine at codon 950 is replaced by arginine, an amino acid with highly similar properties. This amino acid position is conserved. In addition, the in silico prediction for this alteration is inconclusive. Since supporting evidence is limited at this time, the clinical significance of this alteration remains unclear.

NM_001211.6(BUB1B):c.2849A>G (p.Gln950Arg)

Genes: BUB1B (BUB1 mitotic checkpoint serine/threonine kinase B; plus strand), BUB1B-PAK6 (BUB1B-PAK6 readthrough; plus strand). Cytogenetic location: 15q15.1.
Variant type: single nucleotide variant.
Coding change: c.2849A>G on transcript NM_001211.6 (MANE Select); coding-DNA position 2849, A replaced by G.
Protein change: p.Gln950Arg; replaces glutamine 950 with arginine.
Molecular consequence: missense variant. On other transcripts: 5 prime UTR variant (2).
Genome position (GRCh38, 1-based): chr15:40,217,666, A>G. VCF-style: chr15-40217666-A-G. GRCh37 (hg19) VCF-style: chr15-40509867-A-G.
Other names: c.-202A>G (NM_001128628.3); c.-119A>G (NM_001128629.3); short protein forms Q950R.
Identifiers: ClinVar variation 1109153 (VCV001109153.11), dbSNP rs772525026, ClinGen allele CA7476136.